The following is an entry in ClinVar:

NM_015378.4(VPS13D):c.9925T>G (p.Phe3309Val)

Gene: VPS13D (vacuolar protein sorting 13 homolog D; plus strand). Cytogenetic location: 1p36.22.
Variant type: single nucleotide variant.
Coding change: c.9925T>G on transcript NM_015378.4 (MANE Select); coding-DNA position 9925, T replaced by G.
Protein change: p.Phe3309Val; replaces phenylalanine 3309 with valine.
Molecular consequence: missense variant.
Genome position (GRCh38, 1-based): chr1:12,356,451, T>G. VCF-style: chr1-12356451-T-G. GRCh37 (hg19) VCF-style: chr1-12416508-T-G.
Other names: c.9850T>G, p.Phe3284Val (NM_018156.4); short protein forms F3284V, F3309V.
Identifiers: ClinVar variation 1902885 (VCV001902885.5), dbSNP rs200628839, ClinGen allele CA18058276.

ClinVar aggregate classification (germline): Uncertain significance (1 of 4 stars; one submission).

Allele frequency attached by ClinVar (database versions not stated): gnomAD 0.00001; TOPMed 0.00003.
gnomAD v4.1: 4 of 1,614,012 alleles (0.00025%); highest among the groups gnomAD compares: Admixed American, 0.0067%; no homozygotes.

Submission:

Labcorp Genetics (formerly Invitae), Labcorp
Classification: Uncertain significance. Last evaluated: 2022-03-14. Review status: criteria provided, single submitter. Criteria: Invitae Variant Classification Sherloc (09022015). Collection method: clinical testing. Allele origin: germline.
Comment: In summary, the available evidence is currently insufficient to determine the role of this variant in disease. Therefore, it has been classified as a Variant of Uncertain Significance. Algorithms developed to predict the effect of missense changes on protein structure and function are either unavailable or do not agree on the potential impact of this missense change (SIFT: "Not Available"; PolyPhen-2: "Probably Damaging"; Align-GVGD: "Not Available"). This variant has not been reported in the literature in individuals affected with VPS13D-related conditions. This variant is present in population databases (rs200628839, gnomAD 0.006%). This sequence change replaces phenylalanine, which is neutral and non-polar, with valine, which is neutral and non-polar, at codon 3309 of the VPS13D protein (p.Phe3309Val).